The following is an entry in ClinVar:

ClinVar aggregate classification (germline): Uncertain significance (1 of 4 stars; one submission).

Conditions:
Usher syndrome type 3B. Also called: USHER SYNDROME, TYPE IIIB. Identifiers: MedGen C3281066, MONDO:0013788, OMIM 614504.

Submission:

Labcorp Genetics (formerly Invitae), Labcorp
Classification: Uncertain significance for Usher syndrome type 3B. Last evaluated: 2021-12-30. Review status: criteria provided, single submitter. Criteria: Invitae Variant Classification Sherloc (09022015). Collection method: clinical testing. Allele origin: germline.
Comment: In summary, the available evidence is currently insufficient to determine the role of this variant in disease. Therefore, it has been classified as a Variant of Uncertain Significance. This sequence change replaces glycine, which is neutral and non-polar, with alanine, which is neutral and non-polar, at codon 353 of the HARS protein (p.Gly353Ala). This variant is not present in population databases (gnomAD no frequency). This variant has not been reported in the literature in individuals affected with HARS-related conditions. Algorithms developed to predict the effect of missense changes on protein structure and function (SIFT, PolyPhen-2, Align-GVGD) all suggest that this variant is likely to be tolerated.

NM_002109.6(HARS1):c.1058G>C (p.Gly353Ala)

Gene: HARS1 (histidyl-tRNA synthetase 1; minus strand). Cytogenetic location: 5q31.3.
Variant type: single nucleotide variant.
Coding change: c.1058G>C on transcript NM_002109.6 (MANE Select); coding-DNA position 1058, G replaced by C.
Protein change: p.Gly353Ala; replaces glycine 353 with alanine.
Molecular consequence: missense variant.
Genome position (GRCh38, 1-based): chr5:140,676,790, C>G on the plus strand (G>C on the coding strand, the complement: HARS1 is on the minus strand). VCF-style: chr5-140676790-C-G. GRCh37 (hg19) VCF-style: chr5-140056375-C-G.
Other names: c.938G>C, p.Gly313Ala (NM_001258040.3); c.998G>C, p.Gly333Ala (NM_001258041.3); c.878G>C, p.Gly293Ala (NM_001258042.3); c.836G>C, p.Gly279Ala (NM_001289092.2); c.716G>C, p.Gly239Ala (NM_001289093.2); c.971G>C, p.Gly324Ala (NM_001289094.2); short protein forms G239A, G333A, G279A, G293A, G324A, G313A, G353A.
Identifiers: ClinVar variation 2066824 (VCV002066824.4), dbSNP rs1464150154, ClinGen allele CA361251460.